The following is an entry in ClinVar:

NM_003143.3(SSBP1):c.113G>A (p.Arg38Gln)

Gene: SSBP1 (single stranded DNA binding protein 1; plus strand). Cytogenetic location: 7q34.
Variant type: single nucleotide variant.
Coding change: c.113G>A on transcript NM_003143.3 (MANE Select); coding-DNA position 113, G replaced by A.
Protein change: p.Arg38Gln; replaces arginine 38 with glutamine.
Molecular consequence: missense variant. On other transcripts: non-coding transcript variant (1).
Genome position (GRCh38, 1-based): chr7:141,743,588, G>A. VCF-style: chr7-141743588-G-A. GRCh37 (hg19) VCF-style: chr7-141443388-G-A.
Other names: NC_000007.13:g.141443388G>A; NP_003134.1:p.(Arg38Gln); c.113G>A, p.Arg38Gln (NM_001256510.1, NM_001256511.1, NM_001256512.1 and 1 more transcripts); short protein forms R38Q.
Identifiers: ClinVar variation 977502 (VCV000977502.5), dbSNP rs1799652893, ClinGen allele CA369560024.

ClinVar aggregate classification (germline): Pathogenic. Review status: criteria provided, multiple submitters, no conflicts (2 of 4 stars). 5 submissions from 4 submitters: Pathogenic (4). 1 of the submissions does not count toward it. Last evaluated 2026-09-16.

Conditions:
Optic neuropathy. Also called: Optic nerve disorder. Identifiers: MedGen C3887709, MONDO:0002135, HP:0001138.
Optic atrophy 13 with retinal and foveal abnormalities. Also called: Optic atrophy with negative electroretinograms. Identifiers: MedGen C5435585, MONDO:0008135, OMIM 165510.
Retinal disorder. Also called: Retinopathy; Retinopathies; Retinal Diseases; Retinal disorders. Identifiers: MedGen C0035309, MONDO:0005283, HP:0000488.
Mitochondrial DNA maintenance disorder.
Cone-rod dystrophy. Also called: Cone/cone-rod dystrophy; Cone-rod degeneration. Identifiers: Orphanet 1872, MedGen C4085590, MONDO:0015993, HP:0000548.

Allele frequency attached by ClinVar (database versions not stated): gnomAD exomes below 0.00001.
gnomAD v4.1: 2 of 1,614,154 alleles (0.00012%); highest among the groups gnomAD compares: Non-Finnish European, 0.00017%; no homozygotes.

Submissions (5):

Genetics Laboratory, Great Ormond Street Hospital NHS Foundation Trust, North Thames Genomic Laboratory Hub
Classification: Pathogenic for Optic neuropathy. Last evaluated: 2026-09-16. Review status: criteria provided, single submitter. Criteria: ACGS Best Practice Guidelines for Variant Classification in Rare Disease 2024 v1.2. Collection method: clinical testing. Allele origin: germline. Affected: yes.
Comment: PS4_moderate, PM2_moderate, PS3_moderate, PP1_strong

Genetics Laboratory, Great Ormond Street Hospital NHS Foundation Trust, North Thames Genomic Laboratory Hub
Classification: Pathogenic for Mitochondrial DNA maintenance disorder. Last evaluated: 2026-09-16. Review status: criteria provided, single submitter. Criteria: ACGS Best Practice Guidelines for Variant Classification in Rare Disease 2024 v1.2. Collection method: clinical testing. Allele origin: germline. Affected: yes.
Comment: the same text as in the submission from Genetics Laboratory, Great Ormond Street Hospital NHS Foundation Trust, North Thames Genomic Laboratory Hub above.

North West Genomic Laboratory Hub, Manchester University NHS Foundation Trust
Classification: Pathogenic for Retinal disorders; Optic neuropathy. Last evaluated: 2024-07-26. Review status: criteria provided, single submitter. Criteria: ACGS Best Practice Guidelines for Variant Classification in Rare Disease 2020. Collection method: clinical testing. Allele origin: germline. Affected: yes.
Comment: PP1_Str PS3_Mod PM2_Mod PS4_Mod

Ophthalmic Genetics Group, Institute of Molecular and Clinical Ophthalmology Basel
Classification: Pathogenic for Cone-rod dystrophy. Last evaluated: 2023-07-24. Review status: criteria provided, single submitter. Criteria: ACMG Guidelines, 2015. Collection method: research. Allele origin: germline. Affected: yes. Observed: 1 variant allele.
Comment: Clinical significance based on ACMG v2.0

This variant was classified as Pathogenic based on ACMG criteria: PS3, PM2, PP5, PP3.

OMIM
Classification: Pathogenic for OPTIC ATROPHY 13 WITH RETINAL AND FOVEAL ABNORMALITIES. Last evaluated: 2020-09-03. Review status: no assertion criteria provided. Collection method: literature only. Allele origin: germline. Not counted in ClinVar's aggregate classification.

Literature cited by the submitters: PubMed 36909829 (cited by Ophthalmic Genetics Group, Institute of Molecular and Clinical Ophthalmology Basel); PubMed 31298765 (cited by OMIM); PubMed 31550237 (cited by OMIM).